The following is an entry in ClinVar:

ClinVar aggregate classification (germline): Uncertain significance. Review status: criteria provided, multiple submitters, no conflicts (2 of 4 stars). 2 submissions from 2 submitters: Uncertain significance (2). Last evaluated 2024-10-17.

Conditions:
LRRC45-related disorder. Also called: LRRC45-related condition.

Allele frequency attached by ClinVar (database versions not stated): ESP Exome Variant Server 0.00008; 1000 Genomes Project 30x 0.00016; 1000 Genomes Project 0.00020.
gnomAD v4.1: 29 of 1,547,188 alleles (0.0019%); highest among the groups gnomAD compares: Non-Finnish European, 0.0023%; no homozygotes.

Submissions (2):

PreventionGenetics, part of Exact Sciences
Classification: Uncertain significance for LRRC45-related condition. Last evaluated: 2024-10-17. Review status: criteria provided, single submitter. Criteria: ACMG Guidelines, 2015. Collection method: clinical testing. Allele origin: germline.
Comment: The LRRC45 c.1538C>T variant is predicted to result in the amino acid substitution p.Ala513Val. To our knowledge, this variant has not been reported in the literature. This variant is reported in 0.0037% of alleles in individuals of European (Non-Finnish) descent in gnomAD. At this time, the clinical significance of this variant is uncertain due to the absence of conclusive functional and genetic evidence.

Ambry Genetics
Classification: Uncertain significance. Last evaluated: 2022-11-17. Review status: criteria provided, single submitter. Criteria: Ambry Variant Classification Scheme 2023. Collection method: clinical testing. Allele origin: germline.

NM_144999.4(LRRC45):c.1538C>T (p.Ala513Val)

Gene: LRRC45 (leucine rich repeat containing 45; plus strand). Cytogenetic location: 17q25.3.
Variant type: single nucleotide variant.
Coding change: c.1538C>T on transcript NM_144999.4 (MANE Select); coding-DNA position 1538, C replaced by T.
Protein change: p.Ala513Val; replaces alanine 513 with valine.
Molecular consequence: missense variant.
Genome position (GRCh38, 1-based): chr17:82,030,108, C>T. VCF-style: chr17-82030108-C-T. GRCh37 (hg19) VCF-style: chr17-79987984-C-T.
Other names: c.1538C>T (NM_144999.3); short protein forms A513V.
Identifiers: ClinVar variation 2407762 (VCV002407762.3), dbSNP rs377433201, ClinGen allele CA295136788.